The following is an entry in ClinVar:

NM_005862.3(STAG1):c.872T>C (p.Ile291Thr)

Gene: STAG1 (STAG1 cohesin complex component; minus strand). Cytogenetic location: 3q22.3.
Variant type: single nucleotide variant.
Coding change: c.872T>C on transcript NM_005862.3 (MANE Select); coding-DNA position 872, T replaced by C.
Protein change: p.Ile291Thr; replaces isoleucine 291 with threonine.
Molecular consequence: missense variant.
Genome position (GRCh38, 1-based): chr3:136,500,253, A>G on the plus strand (T>C on the coding strand, the complement: STAG1 is on the minus strand). VCF-style: chr3-136500253-A-G. GRCh37 (hg19) VCF-style: chr3-136219095-A-G.
Other names: short protein forms I291T.
Identifiers: ClinVar variation 4741371 (VCV004741371.1).

ClinVar aggregate classification (germline): Uncertain significance (1 of 4 stars; one submission).

Submission:

Labcorp Genetics (formerly Invitae), Labcorp
Classification: Uncertain significance. Last evaluated: 2025-06-22. Review status: criteria provided, single submitter. Criteria: Invitae Variant Classification Sherloc (09022015). Collection method: clinical testing. Allele origin: germline.
Comment: This sequence change replaces isoleucine, which is neutral and non-polar, with threonine, which is neutral and polar, at codon 291 of the STAG1 protein (p.Ile291Thr). This variant is not present in population databases (gnomAD no frequency). This variant has not been reported in the literature in individuals affected with STAG1-related conditions. Invitae Evidence Modeling of protein sequence and biophysical properties (such as structural, functional, and spatial information, amino acid conservation, physicochemical variation, residue mobility, and thermodynamic stability) indicates that this missense variant is not expected to disrupt STAG1 protein function with a negative predictive value of 80%. In summary, the available evidence is currently insufficient to determine the role of this variant in disease. Therefore, it has been classified as a Variant of Uncertain Significance.